The following is an entry in ClinVar:

NM_002095.6(GTF2E2):c.361A>G (p.Thr121Ala)

Gene: GTF2E2 (general transcription factor IIE subunit 2; minus strand). Cytogenetic location: 8p12.
Variant type: single nucleotide variant.
Coding change: c.361A>G on transcript NM_002095.6 (MANE Select); coding-DNA position 361, A replaced by G.
Protein change: p.Thr121Ala; replaces threonine 121 with alanine.
Molecular consequence: missense variant.
Genome position (GRCh38, 1-based): chr8:30,614,613, T>C on the plus strand (A>G on the coding strand, the complement: GTF2E2 is on the minus strand). VCF-style: chr8-30614613-T-C. GRCh37 (hg19) VCF-style: chr8-30472130-T-C.
Other names: c.361A>G, p.Thr121Ala (NM_001348353.1); short protein forms T121A.
Identifiers: ClinVar variation 3675689 (VCV003675689.2).

ClinVar aggregate classification (germline): Uncertain significance (1 of 4 stars; one submission).

gnomAD v4.1: 1 of 1,516,750 alleles (0.000066%); highest among the groups gnomAD compares: Middle Eastern, 0.017%; no homozygotes.

Submission:

Labcorp Genetics (formerly Invitae), Labcorp
Classification: Uncertain significance. Last evaluated: 2024-06-21. Review status: criteria provided, single submitter. Criteria: Invitae Variant Classification Sherloc (09022015). Collection method: clinical testing. Allele origin: germline.
Comment: This sequence change replaces threonine, which is neutral and polar, with alanine, which is neutral and non-polar, at codon 121 of the GTF2E2 protein (p.Thr121Ala). This variant is not present in population databases (gnomAD no frequency). This variant has not been reported in the literature in individuals affected with GTF2E2-related conditions. Advanced modeling of protein sequence and biophysical properties (such as structural, functional, and spatial information, amino acid conservation, physicochemical variation, residue mobility, and thermodynamic stability) performed at Invitae indicates that this missense variant is not expected to disrupt GTF2E2 protein function with a negative predictive value of 80%. In summary, the available evidence is currently insufficient to determine the role of this variant in disease. Therefore, it has been classified as a Variant of Uncertain Significance.